The following is an entry in ClinVar:

NM_012479.4(YWHAG):c.619G>A (p.Glu207Lys)

Gene: YWHAG (tyrosine 3-monooxygenase/tryptophan 5-monooxygenase activation protein gamma; minus strand). Cytogenetic location: 7q11.23.
Variant type: single nucleotide variant.
Coding change: c.619G>A on transcript NM_012479.4 (MANE Select); coding-DNA position 619, G replaced by A.
Protein change: p.Glu207Lys; replaces glutamic acid 207 with lysine.
Molecular consequence: missense variant.
Genome position (GRCh38, 1-based): chr7:76,329,702, C>T on the plus strand (G>A on the coding strand, the complement: YWHAG is on the minus strand). VCF-style: chr7-76329702-C-T. GRCh37 (hg19) VCF-style: chr7-75959019-C-T.
Other names: c.619G>A (NM_012479.3); short protein forms E207K.
Identifiers: ClinVar variation 2747265 (VCV002747265.4), dbSNP rs2536180601, ClinGen allele CA367776231.

ClinVar aggregate classification (germline): Pathogenic. Review status: criteria provided, multiple submitters, no conflicts (2 of 4 stars). 2 submissions from 2 submitters: Pathogenic (2). Last evaluated 2025-08-21.

Submissions (2):

Labcorp Genetics (formerly Invitae), Labcorp
Classification: Pathogenic. Last evaluated: 2025-08-21. Review status: criteria provided, single submitter. Criteria: Invitae Variant Classification Sherloc (09022015). Collection method: clinical testing. Allele origin: germline.
Comment: This sequence change replaces glutamic acid, which is acidic and polar, with lysine, which is basic and polar, at codon 207 of the YWHAG protein (p.Glu207Lys). This variant is not present in population databases (gnomAD no frequency). This missense change has been observed in individual(s) with YWHAG-related conditions (PMID: 33393734, 38041506). In at least one individual the variant was observed to be de novo. ClinVar contains an entry for this variant (Variation ID: 2747265). Invitae Evidence Modeling of protein sequence and biophysical properties (such as structural, functional, and spatial information, amino acid conservation, physicochemical variation, residue mobility, and thermodynamic stability) indicates that this missense variant is not expected to disrupt YWHAG protein function with a negative predictive value of 80%. For these reasons, this variant has been classified as Pathogenic.

GeneDx
Classification: Pathogenic. Last evaluated: 2025-03-31. Review status: criteria provided, single submitter. Criteria: GeneDx Variant Classification Process June 2021. Collection method: clinical testing. Allele origin: germline. Affected: yes.
Comment: Not observed at significant frequency in large population cohorts (gnomAD); In silico analysis supports that this missense variant has a deleterious effect on protein structure/function; This variant is associated with the following publications: (PMID: 34915349, 33393734, 38041506, 40152536, 39413657, 35032046, 38491959)

Literature cited by the submitters: PubMed 33393734 (cited by Labcorp Genetics (formerly Invitae), Labcorp); PubMed 38041506 (cited by Labcorp Genetics (formerly Invitae), Labcorp).